The following is an entry in ClinVar:

NM_020964.3(EPG5):c.4740del (p.Thr1581fs)

Gene: EPG5 (ectopic P-granules 5 autophagy tethering factor; minus strand). Cytogenetic location: 18q12.3.
Variant type: Deletion.
Coding change: c.4740del on transcript NM_020964.3 (MANE Select); coding-DNA position 4740, one base deleted (C; older notation c.4740delC).
Protein change: p.Thr1581fs; shifts the reading frame from threonine 1581.
Molecular consequence: frameshift variant.
Genome position (GRCh38, 1-based): chr18:45,899,473, G deleted on the plus strand (C on the coding strand, the reverse complement: EPG5 is on the minus strand); the first of 2 consecutive G bases (chr18:45,899,473-45,899,474); deleting either gives the same sequence. VCF-style (leftmost placement, unchanged base first): chr18-45899472-TG-T. GRCh37 (hg19) VCF-style: chr18-43479437-TG-T.
Other names: c.4740del, p.Thr1581fs (LRG_1234t1); short protein forms T1581fs.
Identifiers: ClinVar variation 450105 (VCV000450105.2), dbSNP rs1555671254, ClinGen allele CA658658736.

ClinVar aggregate classification (germline): Pathogenic (1 of 4 stars; one submission).

Submission:

GeneDx
Classification: Pathogenic. Last evaluated: 2017-06-27. Review status: criteria provided, single submitter. Criteria: GeneDx Variant Classification (06012015). Collection method: clinical testing. Allele origin: germline. Affected: yes.
Comment: The c.4740delC variant in the EPG5 gene has not been reported previously as a pathogenic variant nor as a benign variant, to our knowledge. The c.4740delC variant causes a frameshift starting with codon Threonine 1581, changes this amino acid to a Histidine residue, and creates a premature Stop codon at position 33 of the new reading frame, denoted p.Thr1581HisfsX33. This variant is predicted to cause loss of normal protein function either through protein truncation or nonsense-mediated mRNA decay. The c.4740delC variant is not observed in large population cohorts (Lek et al., 2016; 1000 Genomes Consortium et al., 2015; Exome Variant Server). We interpret c.4740delC as a pathogenic variant.